The following is an entry in ClinVar:

NM_003114.5(SPAG1):c.2025del (p.Ala676fs)

Gene: SPAG1 (sperm associated antigen 1; plus strand). Cytogenetic location: 8q22.2.
Variant type: Deletion.
Coding change: c.2025del on transcript NM_003114.5 (MANE Select); coding-DNA position 2025, one base deleted (A; older notation c.2025delA).
Protein change: p.Ala676fs; shifts the reading frame from alanine 676.
Molecular consequence: frameshift variant.
Genome position (GRCh38, 1-based): chr8:100,233,447, A deleted; the last of 2 consecutive A bases (chr8:100,233,446-100,233,447); deleting either gives the same sequence. VCF-style (leftmost placement, unchanged base first): chr8-100233445-GA-G. GRCh37 (hg19) VCF-style: chr8-101245673-GA-G.
Other names: c.2025del, p.Ala676fs (NM_001374321.1, NM_172218.3); short protein forms A676fs.
Identifiers: ClinVar variation 4292000 (VCV004292000.1).
Genomic context (GRCh38, chr8:100,233,445, plus strand): 5'-TACTGAGTTCCATTGCATTATGCCAGAGCTCTCTGTTACTTGAAGCTGTGCCAGTTTGAA[GA>G]AGCAAAGCAGGACTGTGATCAGGCACTTCAGCTAGCTGATGGGAACGTGAAAGCCTTCTA-3'

ClinVar aggregate classification (germline): Pathogenic (1 of 4 stars; one submission).

Conditions:
Primary ciliary dyskinesia 28. Also called: CILIARY DYSKINESIA, PRIMARY, 28, WITH OR WITHOUT SITUS INVERSUS. Identifiers: Orphanet 244, MedGen C3809706, MONDO:0014216, OMIM 615505.

Submission:

3billion
Classification: Pathogenic for Primary ciliary dyskinesia 28. Last evaluated: 2024-11-25. Review status: criteria provided, single submitter. Criteria: ACMG Guidelines, 2015. Collection method: clinical testing. Allele origin: germline. Affected: yes.
Comment: The variant is not observed in the gnomAD v4.1.0 dataset. Predicted Consequence/Location: Frameshift: predicted to result in a loss or disruption of normal protein function through nonsense-mediated decay (NMD) or protein truncation. Multiple pathogenic variants are reported downstream of the variant. Therefore, this variant is classified as Pathogenic according to the recommendation of ACMG/AMP guideline.